The following is an entry in ClinVar:

ClinVar aggregate classification (germline): Uncertain significance (1 of 4 stars; one submission).

Allele frequency attached by ClinVar (database versions not stated): TOPMed below 0.00001; gnomAD 0.00001; gnomAD exomes 0.00001.

Submission:

Labcorp Genetics (formerly Invitae), Labcorp
Classification: Uncertain significance. Last evaluated: 2023-10-07. Review status: criteria provided, single submitter. Criteria: Invitae Variant Classification Sherloc (09022015). Collection method: clinical testing. Allele origin: germline.
Comment: This sequence change replaces arginine, which is basic and polar, with glutamine, which is neutral and polar, at codon 246 of the RASGRP1 protein (p.Arg246Gln). This variant is not present in population databases (gnomAD no frequency). This variant has not been reported in the literature in individuals affected with RASGRP1-related conditions. Advanced modeling of protein sequence and biophysical properties (such as structural, functional, and spatial information, amino acid conservation, physicochemical variation, residue mobility, and thermodynamic stability) performed at Invitae indicates that this missense variant is expected to disrupt RASGRP1 protein function. In summary, the available evidence is currently insufficient to determine the role of this variant in disease. Therefore, it has been classified as a Variant of Uncertain Significance.

NM_005739.4(RASGRP1):c.737G>A (p.Arg246Gln)

Gene: RASGRP1 (RAS guanyl releasing protein 1; minus strand). Cytogenetic location: 15q14.
Variant type: single nucleotide variant.
Coding change: c.737G>A on transcript NM_005739.4 (MANE Select); coding-DNA position 737, G replaced by A.
Protein change: p.Arg246Gln; replaces arginine 246 with glutamine.
Molecular consequence: missense variant.
Genome position (GRCh38, 1-based): chr15:38,512,895, C>T on the plus strand (G>A on the coding strand, the complement: RASGRP1 is on the minus strand). VCF-style: chr15-38512895-C-T. GRCh37 (hg19) VCF-style: chr15-38805096-C-T.
Other names: c.737G>A, p.Arg246Gln (NM_001128602.2, NM_001306086.2); short protein forms R246Q.
Identifiers: ClinVar variation 3001735 (VCV003001735.2), dbSNP rs1330653682, ClinGen allele CA391651768.